The following is an entry in ClinVar:

ClinVar aggregate classification (germline): Conflicting classifications of pathogenicity. Review status: criteria provided, conflicting classifications (1 of 4 stars). 3 submissions from 3 submitters: Likely pathogenic (1); Uncertain significance (2). Last evaluated 2024-06-22.

Allele frequency attached by ClinVar (database versions not stated): TOPMed 0.00001; gnomAD exomes 0.00002; gnomAD 0.00003 and 0.00004; ExAC 0.00004; ESP Exome Variant Server 0.00008.

Submissions (3):

Labcorp Genetics (formerly Invitae), Labcorp
Classification: Uncertain significance. Last evaluated: 2024-06-22. Review status: criteria provided, single submitter. Criteria: Invitae Variant Classification Sherloc (09022015). Collection method: clinical testing. Allele origin: germline.
Comment: This sequence change creates a premature translational stop signal (p.Arg193*) in the ABRAXAS1 gene. It is expected to result in an absent or disrupted protein product. However, the current clinical and genetic evidence is not sufficient to establish whether loss-of-function variants in ABRAXAS1 cause disease. This variant is present in population databases (rs201698934, gnomAD 0.004%). This variant has not been reported in the literature in individuals affected with ABRAXAS1-related conditions. ClinVar contains an entry for this variant (Variation ID: 496539). Algorithms developed to predict the effect of sequence changes on RNA splicing suggest that this variant may disrupt the consensus splice site. In summary, the available evidence is currently insufficient to determine the role of this variant in disease. Therefore, it has been classified as a Variant of Uncertain Significance.

CeGaT Center for Human Genetics Tuebingen
Classification: Likely pathogenic. Last evaluated: 2020-10-01. Review status: criteria provided, single submitter. Criteria: CeGaT Center For Human Genetics Tuebingen Variant Classification Criteria Version 2. Collection method: clinical testing. Allele origin: germline. Affected: yes. Observed: 1 variant allele.

Women's Health and Genetics/Laboratory Corporation of America, LabCorp
Classification: Uncertain significance. Last evaluated: 2017-01-19. Review status: criteria provided, single submitter. Criteria: LabCorp Variant Classification Summary - May 2015. Collection method: clinical testing. Allele origin: germline.
Comment: Variant summary: The FAM175A c.577C>T (p.Arg193X) variant results in a premature termination codon, predicted to cause a truncated or absent FAM175A protein due to nonsense mediated decay, which are commonly known mechanisms for disease. Mutation predicts a damaging outcome for this substitution. This variant was found in 5/121352 control chromosomes at a frequency of 0.0000412, which is slightly exceeds the estimated maximal expected allele frequency of a pathogenic FAM175A variant (0.0000313), however, the allele frequencies in ExAC are calculated based on a very low number of occurrences (1-3 depending on the population studied), therefore they have to be taken with caution. The variant of interest has not, to our knowledge, been reported in affected individuals via publications and/or reputable databases/clinical diagnostic laboratories; nor evaluated for functional impact by in vivo/vitro studies. Taken together, this variant is classified as variant of uncertain significance (VUS) until more information becomes available.

NM_139076.3(ABRAXAS1):c.577C>T (p.Arg193Ter)

Gene: ABRAXAS1 (abraxas 1, BRCA1 A complex subunit; minus strand). Cytogenetic location: 4q21.23.
Variant type: single nucleotide variant.
Coding change: c.577C>T on transcript NM_139076.3 (MANE Select); coding-DNA position 577, C replaced by T.
Protein change: p.Arg193Ter; replaces arginine 193 with a stop codon.
Molecular consequence: nonsense.
Genome position (GRCh38, 1-based): chr4:83,469,051, G>A on the plus strand (C>T on the coding strand, the complement: ABRAXAS1 is on the minus strand). VCF-style: chr4-83469051-G-A. GRCh37 (hg19) VCF-style: chr4-84390204-G-A.
Other names: c.250C>T, p.Arg84Ter (NM_001345962.2); short protein forms R193*, R84*.
Identifiers: ClinVar variation 496539 (VCV000496539.47), dbSNP rs201698934, ClinGen allele CA2990516.